The following is an entry in ClinVar:

NM_004836.7(EIF2AK3):c.1576G>A (p.Val526Ile)

Gene: EIF2AK3 (eukaryotic translation initiation factor 2 alpha kinase 3; minus strand). Cytogenetic location: 2p11.2.
Variant type: single nucleotide variant.
Coding change: c.1576G>A on transcript NM_004836.7 (MANE Select); coding-DNA position 1576, G replaced by A.
Protein change: p.Val526Ile; replaces valine 526 with isoleucine.
Molecular consequence: missense variant.
Genome position (GRCh38, 1-based): chr2:88,585,915, C>T on the plus strand (G>A on the coding strand, the complement: EIF2AK3 is on the minus strand). VCF-style: chr2-88585915-C-T. GRCh37 (hg19) VCF-style: chr2-88885433-C-T.
Other names: c.1576G>A (NM_004836.5); c.1123G>A, p.Val375Ile (NM_001313915.2); short protein forms V375I, V526I.
Identifiers: ClinVar variation 1432662 (VCV001432662.7), dbSNP rs1674713665, ClinGen allele CA347594373.

ClinVar aggregate classification (germline): Uncertain significance. Review status: criteria provided, multiple submitters, no conflicts (2 of 4 stars). 3 submissions from 3 submitters: Uncertain significance (3). Last evaluated 2025-11-12.

Conditions:
Wolcott-Rallison dysplasia. Also called: Wolcott-Rallison syndrome; MED-IDDM SYNDROME. Identifiers: Orphanet 1667, MedGen C0432217, MONDO:0009192, OMIM 226980.
Inborn genetic diseases. Identifiers: MedGen C0950123, MeSH D030342.

Allele frequency attached by ClinVar (database versions not stated): gnomAD exomes below 0.00001; gnomAD 0.00001; TOPMed 0.00001.

Submissions (3):

Ambry Genetics
Classification: Uncertain significance for Inborn genetic diseases. Last evaluated: 2025-11-12. Review status: criteria provided, single submitter. Criteria: Ambry Variant Classification Scheme 2023. Collection method: clinical testing. Allele origin: germline.

Labcorp Genetics (formerly Invitae), Labcorp
Classification: Uncertain significance. Last evaluated: 2021-09-01. Review status: criteria provided, single submitter. Criteria: Invitae Variant Classification Sherloc (09022015). Collection method: clinical testing. Allele origin: germline.
Comment: This sequence change replaces valine with isoleucine at codon 526 of the EIF2AK3 protein (p.Val526Ile). The valine residue is weakly conserved and there is a small physicochemical difference between valine and isoleucine. This variant is not present in population databases (ExAC no frequency). This variant has not been reported in the literature in individuals affected with EIF2AK3-related conditions. Algorithms developed to predict the effect of missense changes on protein structure and function output the following: SIFT: "Tolerated"; PolyPhen-2: "Benign"; Align-GVGD: "Class C0". The isoleucine amino acid residue is found in multiple mammalian species, which suggests that this missense change does not adversely affect protein function. In summary, the available evidence is currently insufficient to determine the role of this variant in disease. Therefore, it has been classified as a Variant of Uncertain Significance.

Fulgent Genetics
Classification: Uncertain significance for Wolcott-Rallison dysplasia. Last evaluated: 2021-08-10. Review status: criteria provided, single submitter. Criteria: ACMG Guidelines, 2015. Collection method: clinical testing. Allele origin: unknown.